The following is an entry in ClinVar:

NM_001142966.3(GREB1L):c.4280C>T (p.Ser1427Phe)

Gene: GREB1L (GREB1 like retinoic acid receptor coactivator; plus strand). Cytogenetic location: 18q11.2.
Variant type: single nucleotide variant.
Coding change: c.4280C>T on transcript NM_001142966.3 (MANE Select); coding-DNA position 4280, C replaced by T.
Protein change: p.Ser1427Phe; replaces serine 1427 with phenylalanine.
Molecular consequence: missense variant.
Genome position (GRCh38, 1-based): chr18:21,505,861, C>T. VCF-style: chr18-21505861-C-T. GRCh37 (hg19) VCF-style: chr18-19085822-C-T.
Other names: c.4409C>T, p.Ser1470Phe (NM_001410867.1); c.3953C>T, p.Ser1318Phe (NM_001410868.1); short protein forms S1318F, S1427F, S1470F.
Identifiers: ClinVar variation 4528179 (VCV004528179.1).

ClinVar aggregate classification (germline): Uncertain significance (1 of 4 stars; one submission).

gnomAD v4.1: 2 of 1,551,858 alleles (0.00013%); highest among the groups gnomAD compares: African/African-American, 0.0027%; no homozygotes.

Submission:

GeneDx
Classification: Uncertain significance. Last evaluated: 2025-05-10. Review status: criteria provided, single submitter. Criteria: GeneDx Variant Classification Process June 2021. Collection method: clinical testing. Allele origin: germline. Affected: yes.
Comment: Not observed at significant frequency in large population cohorts (gnomAD); In silico analysis supports that this missense variant has a deleterious effect on protein structure/function; Has not been previously published as pathogenic or benign to our knowledge